The following is an entry in ClinVar:

NM_032119.4(ADGRV1):c.5140C>T (p.Pro1714Ser)

Gene: ADGRV1 (adhesion G protein-coupled receptor V1; plus strand). Cytogenetic location: 5q14.3.
Variant type: single nucleotide variant.
Coding change: c.5140C>T on transcript NM_032119.4 (MANE Select); coding-DNA position 5140, C replaced by T.
Protein change: p.Pro1714Ser; replaces proline 1714 with serine.
Molecular consequence: missense variant. On other transcripts: non-coding transcript variant (1).
Genome position (GRCh38, 1-based): chr5:90,675,272, C>T. VCF-style: chr5-90675272-C-T. GRCh37 (hg19) VCF-style: chr5-89971089-C-T.
Other names: short protein forms P1714S.
Identifiers: ClinVar variation 1419576 (VCV001419576.8), dbSNP rs1773057353, ClinGen allele CA360409504.

ClinVar aggregate classification (germline): Uncertain significance (1 of 4 stars; one submission).

Allele frequency attached by ClinVar (database versions not stated): TOPMed below 0.00001.

Submission:

Labcorp Genetics (formerly Invitae), Labcorp
Classification: Uncertain significance. Last evaluated: 2026-01-05. Review status: criteria provided, single submitter. Criteria: Invitae Variant Classification Sherloc (09022015). Collection method: clinical testing. Allele origin: germline.
Comment: This sequence change replaces proline, which is neutral and non-polar, with serine, which is neutral and polar, at codon 1714 of the ADGRV1 protein (p.Pro1714Ser). This variant is not present in population databases (gnomAD no frequency). This variant has not been reported in the literature in individuals affected with ADGRV1-related conditions. ClinVar contains an entry for this variant (Variation ID: 1419576). Invitae Evidence Modeling of protein sequence and biophysical properties (such as structural, functional, and spatial information, amino acid conservation, physicochemical variation, residue mobility, and thermodynamic stability) indicates that this missense variant is not expected to disrupt ADGRV1 protein function with a negative predictive value of 80%. In summary, the available evidence is currently insufficient to determine the role of this variant in disease. Therefore, it has been classified as a Variant of Uncertain Significance.